The following is an entry in ClinVar:

ClinVar aggregate classification (germline): Uncertain significance (1 of 4 stars; one submission).

Submission:

GeneDx
Classification: Uncertain significance. Last evaluated: 2016-11-22. Review status: criteria provided, single submitter. Criteria: GeneDx Variant Classification (06012015). Collection method: clinical testing. Allele origin: germline. Affected: yes.
Comment: The G265E variant in the NFKB1 gene has not been reported previously as a pathogenic variant, nor as a benign variant, to our knowledge. The G265E variant was not observed in approximately 6,500 individuals of European and African American ancestry in the NHLBI Exome Sequencing Project, indicating it is not a common benign variant in these populations. The G265E variant is a non-conservative amino acid substitution, which is likely to impact secondary protein structure as these residues differ in polarity, charge, size and/or other properties. This substitution occurs at a position that is conserved across species. In silico analysis predicts this variant is probably damaging to the protein structure/function. We interpret G265E as a variant of uncertain significance.

NM_003998.4(NFKB1):c.794G>A (p.Gly265Glu)

Gene: NFKB1 (nuclear factor kappa B subunit 1; plus strand). Cytogenetic location: 4q24.
Variant type: single nucleotide variant.
Coding change: c.794G>A on transcript NM_003998.4 (MANE Select); coding-DNA position 794, G replaced by A.
Protein change: p.Gly265Glu; replaces glycine 265 with glutamic acid.
Molecular consequence: missense variant.
Genome position (GRCh38, 1-based): chr4:102,580,598, G>A. VCF-style: chr4-102580598-G-A. GRCh37 (hg19) VCF-style: chr4-103501755-G-A.
Other names: c.791G>A, p.Gly264Glu (NM_001165412.2, NM_001319226.2); c.794G>A, p.Gly265Glu (LRG_1316t1); short protein forms G265E, G264E.
Identifiers: ClinVar variation 373395 (VCV000373395.1), dbSNP rs1057518392, ClinGen allele CA16042543.